The following is an entry in ClinVar:

ClinVar aggregate classification (germline): Likely benign. Review status: criteria provided, multiple submitters, no conflicts (2 of 4 stars). 2 submissions from 2 submitters: Likely benign (2). Last evaluated 2025-06-02.

Conditions:
PCNT-related disorder. Also called: PCNT-related condition.

Allele frequency attached by ClinVar (database versions not stated): gnomAD exomes below 0.00001.
gnomAD v4.1: 5 of 1,613,054 alleles (0.00031%); highest among the groups gnomAD compares: South Asian, 0.0011%; no homozygotes.

Submissions (2):

PreventionGenetics, part of Exact Sciences
Classification: Likely benign for PCNT-related condition. Last evaluated: 2025-06-02. Review status: criteria provided, single submitter. Criteria: ACMG Guidelines, 2015. Collection method: clinical testing. Allele origin: germline.
Comment: This variant is classified as likely benign based on ACMG/AMP sequence variant interpretation guidelines (Richards et al. 2015 PMID: 25741868, with internal and published modifications).

Labcorp Genetics (formerly Invitae), Labcorp
Classification: Likely benign. Last evaluated: 2023-06-18. Review status: criteria provided, single submitter. Criteria: Invitae Variant Classification Sherloc (09022015). Collection method: clinical testing. Allele origin: germline.

NM_006031.6(PCNT):c.5532C>T (p.Leu1844=)

Gene: PCNT (pericentrin; plus strand). Cytogenetic location: 21q22.3.
Variant type: single nucleotide variant.
Coding change: c.5532C>T on transcript NM_006031.6 (MANE Select); coding-DNA position 5532, C replaced by T.
Protein change: p.Leu1844=; no amino-acid change (leucine 1844 retained).
Molecular consequence: synonymous variant.
Genome position (GRCh38, 1-based): chr21:46,411,605, C>T. VCF-style: chr21-46411605-C-T. GRCh37 (hg19) VCF-style: chr21-47831519-C-T.
Other names: c.5178C>T, p.Leu1726= (NM_001315529.2); c.5532C>T (NM_006031.5).
Identifiers: ClinVar variation 2810128 (VCV002810128.4), dbSNP rs2518771094, ClinGen allele CA513173890.